The following is an entry in ClinVar:

NM_001182.5(ALDH7A1):c.1559C>T (p.Ser520Phe)

Gene: ALDH7A1 (aldehyde dehydrogenase 7 family member A1; minus strand). Cytogenetic location: 5q23.2.
Variant type: single nucleotide variant.
Coding change: c.1559C>T on transcript NM_001182.5 (MANE Select); coding-DNA position 1559, C replaced by T.
Protein change: p.Ser520Phe; replaces serine 520 with phenylalanine.
Molecular consequence: missense variant.
Genome position (GRCh38, 1-based): chr5:126,546,330, G>A on the plus strand (C>T on the coding strand, the complement: ALDH7A1 is on the minus strand). VCF-style: chr5-126546330-G-A. GRCh37 (hg19) VCF-style: chr5-125882022-G-A.
Other names: c.1475C>T, p.Ser492Phe (NM_001201377.2); c.1367C>T, p.Ser456Phe (NM_001202404.2); short protein forms S520F, S456F, S492F.
Identifiers: ClinVar variation 465325 (VCV000465325.12), dbSNP rs1554097854, ClinGen allele CA360718807.

ClinVar aggregate classification (germline): Conflicting classifications of pathogenicity. Review status: criteria provided, conflicting classifications (1 of 4 stars). 3 submissions from 3 submitters: Pathogenic (1); Likely pathogenic (1); Uncertain significance (1). Last evaluated 2026-07-02.

Conditions:
Pyridoxine-dependent epilepsy (EPEO4). Also called: EPILEPSY, EARLY-ONSET, 4, VITAMIN B6-DEPENDENT; Pyridoxine-Dependent Seizures; Pyridoxine-Dependent Epilepsy - ALDH7A1; PYRIDOXINE DEPENDENCY WITH SEIZURES. Identifiers: Orphanet 3006, MedGen C1849508, MONDO:0009945, OMIM 266100. Disease mechanism: loss of function.
Inborn genetic diseases. Identifiers: MedGen C0950123, MeSH D030342.

Submissions (3):

GeneDx
Classification: Likely pathogenic. Last evaluated: 2026-07-02. Review status: criteria provided, single submitter. Criteria: GeneDx Variant Classification Process June 2021. Collection method: clinical testing. Allele origin: germline.
Comment: Not observed at significant frequency in large population cohorts (gnomAD); In silico analysis supports that this missense variant has a deleterious effect on protein structure/function; This variant is associated with the following publications: (PMID: 37580162, 41142850)

Labcorp Genetics (formerly Invitae), Labcorp
Classification: Pathogenic for Pyridoxine-dependent epilepsy. Last evaluated: 2025-10-24. Review status: criteria provided, single submitter. Criteria: Invitae Variant Classification Sherloc (09022015). Collection method: clinical testing. Allele origin: germline.
Comment: This sequence change replaces serine, which is neutral and polar, with phenylalanine, which is neutral and non-polar, at codon 520 of the ALDH7A1 protein (p.Ser520Phe). This variant is not present in population databases (gnomAD no frequency). This missense change has been observed in individual(s) with pyridoxine-responsive seizures (internal data). ClinVar contains an entry for this variant (Variation ID: 465325). Invitae Evidence Modeling of protein sequence and biophysical properties (such as structural, functional, and spatial information, amino acid conservation, physicochemical variation, residue mobility, and thermodynamic stability) indicates that this missense variant is expected to disrupt ALDH7A1 protein function with a positive predictive value of 95%. This variant disrupts the p.Ser520 amino acid residue in ALDH7A1. Other variant(s) that disrupt this residue have been observed in individuals with ALDH7A1-related conditions (PMID: 23350806), which suggests that this may be a clinically significant amino acid residue. For these reasons, this variant has been classified as Pathogenic.

Ambry Genetics
Classification: Uncertain significance for Inborn genetic diseases. Last evaluated: 2019-03-26. Review status: criteria provided, single submitter. Criteria: Ambry Variant Classification Scheme 2023. Collection method: clinical testing. Allele origin: germline.
Comment: The p.S520F variant (also known as c.1559C>T), located in coding exon 17 of the ALDH7A1 gene, results from a C to T substitution at nucleotide position 1559. The serine at codon 520 is replaced by phenylalanine, an amino acid with highly dissimilar properties. Another variant at the same position (reported as p.S492P) was reported in the homozygous state in an individual with ALDH7A1 deficiency (P&eacute;rez B et al. Epilepsia, 2013 Feb;54:239-48). This amino acid position is highly conserved in available vertebrate species. In addition, this alteration is predicted to be deleterious by in silico analysis. Since supporting evidence is limited at this time, the clinical significance of this alteration remains unclear.

Literature cited by the submitters: PubMed 23350806 (cited by Labcorp Genetics (formerly Invitae), Labcorp and Ambry Genetics).